The following is an entry in ClinVar:

ClinVar aggregate classification (germline): Uncertain significance. Review status: criteria provided, multiple submitters, no conflicts (2 of 4 stars). 2 submissions from 2 submitters: Uncertain significance (2). Last evaluated 2025-01-29.

Conditions:
Inborn genetic diseases. Identifiers: MedGen C0950123, MeSH D030342.
Epilepsy. Also called: Seizure disorder. Identifiers: MedGen C0014544, MeSH D004827, MONDO:0005027.

Allele frequency attached by ClinVar (database versions not stated): gnomAD exomes below 0.00001; ExAC 0.00003; gnomAD 0.00003; TOPMed 0.00005; ESP Exome Variant Server 0.00008.
gnomAD v4.1: 7 of 1,585,766 alleles (0.00044%); highest among the groups gnomAD compares: African/African-American, 0.008%; no homozygotes.

Submissions (2):

Labcorp Genetics (formerly Invitae), Labcorp
Classification: Uncertain significance for Epilepsy. Last evaluated: 2025-01-29. Review status: criteria provided, single submitter. Criteria: Invitae Variant Classification Sherloc (09022015). Collection method: clinical testing. Allele origin: germline.
Comment: This sequence change replaces lysine, which is basic and polar, with arginine, which is basic and polar, at codon 265 of the PIGQ protein (p.Lys265Arg). The frequency data for this variant in the population databases is considered unreliable, as metrics indicate poor data quality at this position in the gnomAD database. This variant has not been reported in the literature in individuals affected with PIGQ-related conditions. ClinVar contains an entry for this variant (Variation ID: 850822). An algorithm developed to predict the effect of missense changes on protein structure and function outputs the following: PolyPhen-2: "Benign". The arginine amino acid residue is found in multiple mammalian species, which suggests that this missense change does not adversely affect protein function. In summary, the available evidence is currently insufficient to determine the role of this variant in disease. Therefore, it has been classified as a Variant of Uncertain Significance.

Ambry Genetics
Classification: Uncertain significance for Inborn genetic diseases. Last evaluated: 2025-01-16. Review status: criteria provided, single submitter. Criteria: Ambry Variant Classification Scheme 2023. Collection method: clinical testing. Allele origin: germline.

NM_004204.5(PIGQ):c.794A>G (p.Lys265Arg)

Gene: PIGQ (phosphatidylinositol glycan anchor biosynthesis class Q; plus strand). Cytogenetic location: 16p13.3.
Variant type: single nucleotide variant.
Coding change: c.794A>G on transcript NM_004204.5 (MANE Select); coding-DNA position 794, A replaced by G.
Protein change: p.Lys265Arg; replaces lysine 265 with arginine.
Molecular consequence: missense variant.
Genome position (GRCh38, 1-based): chr16:575,943, A>G. VCF-style: chr16-575943-A-G. GRCh37 (hg19) VCF-style: chr16-625943-A-G.
Other names: c.794A>G, p.Lys265Arg (NM_148920.4); c.794A>G (NM_148920.1); short protein forms K265R.
Identifiers: ClinVar variation 850822 (VCV000850822.10), dbSNP rs375666595, ClinGen allele CA7779972.